The following is an entry in ClinVar:

ClinVar aggregate classification (germline): Pathogenic. Review status: criteria provided, multiple submitters, no conflicts (2 of 4 stars). 3 submissions from 3 submitters: Pathogenic (2). 1 of the submissions does not count toward it. Last evaluated 2023-05-24.

Conditions:
PDXK-related disorder. Also called: PDXK-related condition.
Neuropathy, hereditary motor and sensory, type VIc, with optic atrophy. Also called: HMSN VIC; CHARCOT-MARIE-TOOTH DISEASE, TYPE 6C. Identifiers: MedGen C5193137, MONDO:0032792, OMIM 618511.

Allele frequency attached by ClinVar (database versions not stated): gnomAD 0.00001 and 0.00002; TOPMed 0.00003; ExAC 0.00003; gnomAD exomes 0.00003.

Submissions (3):

PreventionGenetics, part of Exact Sciences
Classification: Pathogenic for PDXK-related condition. Last evaluated: 2023-05-24. Review status: criteria provided, single submitter. Criteria: ACMG Guidelines, 2015. Collection method: clinical testing. Allele origin: germline.
Comment: The PDXK c.682G>A variant is predicted to result in the amino acid substitution p.Ala228Thr. This variant has been reported in an individual with axonal peripheral polyneuropathy, also referred to as hereditary motor and sensory neuropathy type 6C (Figure 1, Family 1, Chelban et al. 2019. PubMed ID: 31187503; Table 2, Megarbane et al. 2022. PubMed ID: 34602496). Experimental studies indicate this variant leads to reduced pyridoxal kinase enzymatic activity (Figure 3, Chelban et al. 2019. PubMed ID: 31187503; This variant is reported in 0.016% of alleles in individuals of South Asian descent in gnomAD. This variant is interpreted as pathogenic.

Neuberg Centre For Genomic Medicine, NCGM
Classification: Pathogenic for Neuropathy, hereditary motor and sensory, type VIc, with optic atrophy. Review status: criteria provided, single submitter. Criteria: ACMG Guidelines, 2015. Collection method: clinical testing. Allele origin: germline. Inheritance: Autosomal recessive inheritance. Affected: yes.
Comment: Experimental studies indicate this variant leads to reduced pyridoxal kinase enzymatic activity (Chelban V et al., 2019)

OMIM
Classification: Pathogenic for NEUROPATHY, HEREDITARY MOTOR AND SENSORY, TYPE VIC, WITH OPTIC ATROPHY. Last evaluated: 2019-07-19. Review status: no assertion criteria provided. Collection method: literature only. Allele origin: germline. Not counted in ClinVar's aggregate classification.

Literature cited by the submitters: PubMed 31187503 (cited by OMIM).

NM_003681.5(PDXK):c.682G>A (p.Ala228Thr)

Gene: PDXK (pyridoxal kinase; plus strand). Cytogenetic location: 21q22.3.
Variant type: single nucleotide variant.
Coding change: c.682G>A on transcript NM_003681.5 (MANE Select); coding-DNA position 682, G replaced by A.
Protein change: p.Ala228Thr; replaces alanine 228 with threonine.
Molecular consequence: missense variant.
Genome position (GRCh38, 1-based): chr21:43,753,642, G>A. VCF-style: chr21-43753642-G-A. GRCh37 (hg19) VCF-style: chr21-45173523-G-A.
Other names: c.562G>A, p.Ala188Thr (NM_001331030.2); c.682G>A (NM_003681.4); short protein forms A228T, A188T.
Identifiers: ClinVar variation 636264 (VCV000636264.2), dbSNP rs757480516, ClinGen allele CA10048714.